The following is an entry in ClinVar:

NM_004525.3(LRP2):c.3202del (p.Ser1068fs)

Gene: LRP2 (LDL receptor related protein 2; minus strand). Cytogenetic location: 2q31.1.
Variant type: Deletion.
Coding change: c.3202del on transcript NM_004525.3 (MANE Select); coding-DNA position 3202, one base deleted (T; older notation c.3202delT).
Protein change: p.Ser1068fs; shifts the reading frame from serine 1068.
Molecular consequence: frameshift variant.
Genome position (GRCh38, 1-based): chr2:169,244,921, A deleted on the plus strand (T on the coding strand, the reverse complement: LRP2 is on the minus strand); the first of 2 consecutive A bases (chr2:169,244,921-169,244,922); deleting either gives the same sequence. VCF-style (leftmost placement, unchanged base first): chr2-169244920-GA-G. GRCh37 (hg19) VCF-style: chr2-170101430-GA-G.
Other names: short protein forms S1068fs.
Identifiers: ClinVar variation 2788309 (VCV002788309.3), dbSNP rs755189249, ClinGen allele CA1955089.

ClinVar aggregate classification (germline): Pathogenic (1 of 4 stars; one submission).

Submission:

Labcorp Genetics (formerly Invitae), Labcorp
Classification: Pathogenic. Last evaluated: 2024-01-26. Review status: criteria provided, single submitter. Criteria: Invitae Variant Classification Sherloc (09022015). Collection method: clinical testing. Allele origin: germline.
Comment: This sequence change creates a premature translational stop signal (p.Ser1068Hisfs*118) in the LRP2 gene. It is expected to result in an absent or disrupted protein product. Loss-of-function variants in LRP2 are known to be pathogenic (PMID: 17632512, 25682901). This variant is present in population databases (rs755189249, gnomAD 0.02%). This variant has not been reported in the literature in individuals affected with LRP2-related conditions. For these reasons, this variant has been classified as Pathogenic.

Literature cited by the submitters: PubMed 17632512; PubMed 25682901.